The following is an entry in ClinVar:

NM_005609.4(PYGM):c.931C>T (p.Arg311Cys)

Gene: PYGM (glycogen phosphorylase, muscle associated; minus strand). Cytogenetic location: 11q13.1.
Variant type: single nucleotide variant.
Coding change: c.931C>T on transcript NM_005609.4 (MANE Select); coding-DNA position 931, C replaced by T.
Protein change: p.Arg311Cys; replaces arginine 311 with cysteine.
Molecular consequence: missense variant.
Genome position (GRCh38, 1-based): chr11:64,754,761, G>A on the plus strand (C>T on the coding strand, the complement: PYGM is on the minus strand). VCF-style: chr11-64754761-G-A. GRCh37 (hg19) VCF-style: chr11-64522233-G-A.
Other names: c.667C>T, p.Arg223Cys (NM_001164716.1); short protein forms R223C, R311C.
Identifiers: ClinVar variation 3364936 (VCV003364936.1).
Genomic context (GRCh38, chr11:64,754,761, plus strand): 5'-GGAAGGCATCGAAGTTCGTGCGCACGGGATCACGGCAGCCGAACTTGGAAGACTTGAAGC[G>A]ACGGATGATGTCCTGGAGGGTGGCAGCCACCACGAAATACTCCTGCTTCAGCCGCAGCTC-3'
Protein context (NP_005600.1, residues 301-321): VAATLQDIIR[Arg311Cys]FKSSKFGCRD

ClinVar aggregate classification (germline): Uncertain significance (1 of 4 stars; one submission).

Submission:

GeneDx
Classification: Uncertain significance. Last evaluated: 2023-12-01. Review status: criteria provided, single submitter. Criteria: GeneDx Variant Classification Process June 2021. Collection method: clinical testing. Allele origin: germline. Affected: yes.
Comment: Not observed at significant frequency in large population cohorts (gnomAD); In silico analysis supports that this missense variant has a deleterious effect on protein structure/function; Has not been previously published as pathogenic or benign to our knowledge